The following is an entry in ClinVar:

NM_003742.4(ABCB11):c.1029C>T (p.Tyr343=)

Gene: ABCB11 (ATP binding cassette subfamily B member 11; minus strand). Cytogenetic location: 2q31.1.
Variant type: single nucleotide variant.
Coding change: c.1029C>T on transcript NM_003742.4 (MANE Select); coding-DNA position 1029, C replaced by T.
Protein change: p.Tyr343=; no amino-acid change (tyrosine 343 retained).
Molecular consequence: synonymous variant.
Genome position (GRCh38, 1-based): chr2:168,986,164, G>A on the plus strand (C>T on the coding strand, the complement: ABCB11 is on the minus strand). VCF-style: chr2-168986164-G-A. GRCh37 (hg19) VCF-style: chr2-169842674-G-A.
Other names: c.1029C>T (NM_003742.2).
Identifiers: ClinVar variation 1090443 (VCV001090443.11), dbSNP rs751446926, ClinGen allele CA1951731.

ClinVar aggregate classification (germline): Likely benign. Review status: criteria provided, single submitter (1 of 4 stars). 2 submissions from 2 submitters: Likely benign (1). 1 of the submissions does not count toward it. Last evaluated 2024-02-04.

Conditions:
ABCB11-related disorder. Also called: ABCB11-related condition.

Allele frequency attached by ClinVar (database versions not stated): ExAC 0.00003; gnomAD 0.00003; gnomAD exomes 0.00003.
gnomAD v4.1: 38 of 1,612,828 alleles (0.0024%); highest among the groups gnomAD compares: Middle Eastern, 0.017%; no homozygotes.

Submissions (2):

Labcorp Genetics (formerly Invitae), Labcorp
Classification: Likely benign. Last evaluated: 2024-02-04. Review status: criteria provided, single submitter. Criteria: Invitae Variant Classification Sherloc (09022015). Collection method: clinical testing. Allele origin: germline.

PreventionGenetics, part of Exact Sciences
Classification: Likely benign for ABCB11-related condition. Last evaluated: 2019-05-15. Review status: no assertion criteria provided. Collection method: clinical testing. Allele origin: germline. Not counted in ClinVar's aggregate classification.
Comment: This variant is classified as likely benign based on ACMG/AMP sequence variant interpretation guidelines (Richards et al. 2015 PMID: 25741868, with internal and published modifications).